The following is an entry in ClinVar:

ClinVar aggregate classification (germline): Uncertain significance (1 of 4 stars; one submission).

Conditions:
Hereditary cancer-predisposing syndrome. Also called: Tumor predisposition; Hereditary neoplastic syndrome; Hereditary Cancer Syndrome; Neoplastic Syndromes, Hereditary. Identifiers: Orphanet 140162, MedGen C0027672, MeSH D009386, MONDO:0015356.

Submission:

Ambry Genetics
Classification: Uncertain significance for Hereditary cancer-predisposing syndrome. Last evaluated: 2023-12-18. Review status: criteria provided, single submitter. Criteria: Ambry Variant Classification Scheme 2023. Collection method: clinical testing. Allele origin: germline.
Comment: The p.K292R variant (also known as c.875A>G), located in coding exon 8 of the EPCAM gene, results from an A to G substitution at nucleotide position 875. The lysine at codon 292 is replaced by arginine, an amino acid with highly similar properties. This amino acid position is conserved. In addition, this alteration is predicted to be tolerated by in silico analysis. Since supporting evidence is limited at this time, the clinical significance of this alteration remains unclear.

NM_002354.3(EPCAM):c.875A>G (p.Lys292Arg)

Gene: EPCAM (epithelial cell adhesion molecule; plus strand). Cytogenetic location: 2p21.
Variant type: single nucleotide variant.
Coding change: c.875A>G on transcript NM_002354.3 (MANE Select); coding-DNA position 875, A replaced by G.
Protein change: p.Lys292Arg; replaces lysine 292 with arginine.
Molecular consequence: missense variant.
Genome position (GRCh38, 1-based): chr2:47,385,182, A>G. VCF-style: chr2-47385182-A-G. GRCh37 (hg19) VCF-style: chr2-47612321-A-G.
Other names: short protein forms K292R.
Identifiers: ClinVar variation 3222144 (VCV003222144.1), dbSNP rs2465486996, ClinGen allele CA346725294.